The following is an entry in ClinVar:

NM_016219.5(MAN1B1):c.2020G>A (p.Asp674Asn)

Gene: MAN1B1 (mannosidase alpha class 1B member 1; plus strand). Cytogenetic location: 9q34.3.
Variant type: single nucleotide variant.
Coding change: c.2020G>A on transcript NM_016219.5 (MANE Select); coding-DNA position 2020, G replaced by A.
Protein change: p.Asp674Asn; replaces aspartic acid 674 with asparagine.
Molecular consequence: missense variant. On other transcripts: non-coding transcript variant (2).
Genome position (GRCh38, 1-based): chr9:137,108,511, G>A. VCF-style: chr9-137108511-G-A. GRCh37 (hg19) VCF-style: chr9-140002963-G-A.
Other names: short protein forms D674N.
Identifiers: ClinVar variation 129571 (VCV000129571.30), dbSNP rs181795958, ClinGen allele CA231274.

ClinVar aggregate classification (germline): Conflicting classifications of pathogenicity. Review status: criteria provided, conflicting classifications (1 of 4 stars). 8 submissions from 8 submitters: Uncertain significance (2); Benign (1); Likely benign (2). 3 of the submissions do not count toward it. Last evaluated 2026-01-05.

Conditions:
MAN1B1-related disorder. Also called: MAN1B1-related disorders; MAN1B1-related condition.
Inborn genetic diseases. Identifiers: MedGen C0950123, MeSH D030342.
Rafiq syndrome (RAFQS). Identifiers: Orphanet 88616, MedGen C3280127, MONDO:0013624, OMIM 614202.

Allele frequency attached by ClinVar (database versions not stated): ESP Exome Variant Server 0.00008; gnomAD exomes 0.00020 and 0.00074; TOPMed 0.00046; ExAC 0.00074; 1000 Genomes Project 30x 0.00265; 1000 Genomes Project 0.00280.
gnomAD v4.1: 396 of 1,614,008 alleles (0.025%); highest among the groups gnomAD compares: East Asian, 0.5%; 2 homozygotes.

Submissions (8):

Labcorp Genetics (formerly Invitae), Labcorp
Classification: Likely benign for Rafiq syndrome. Last evaluated: 2026-01-05. Review status: criteria provided, single submitter. Criteria: Invitae Variant Classification Sherloc (09022015). Collection method: clinical testing. Allele origin: germline.

Fulgent Genetics
Classification: Uncertain significance for Rafiq syndrome. Last evaluated: 2018-10-31. Review status: criteria provided, single submitter. Criteria: ACMG Guidelines, 2015. Collection method: clinical testing. Allele origin: unknown.

Illumina Laboratory Services, Illumina
Classification: Likely benign for Rafiq syndrome. Last evaluated: 2018-01-12. Review status: criteria provided, single submitter. Criteria: ICSL Variant Classification Criteria 13 December 2019. Collection method: clinical testing. Allele origin: germline.
Comment: This variant was observed in the ICSL laboratory as part of a predisposition screen in an ostensibly healthy population. It had not been previously curated by ICSL or reported in the Human Gene Mutation Database (HGMD: prior to June 1st, 2018), and was therefore a candidate for classification through an automated scoring system. Utilizing variant allele frequency, disease prevalence and penetrance estimates, and inheritance mode, an automated score was calculated to assess if this variant is too frequent to cause the disease. Based on the score and internal cut-off values, a variant classified as likely benign is not then subjected to further curation. The score for this variant resulted in a classification of likely benign for this disease.

Ambry Genetics
Classification: Benign for Inborn genetic diseases. Last evaluated: 2016-11-16. Review status: criteria provided, single submitter. Criteria: Ambry Variant Classification Scheme 2023. Collection method: clinical testing. Allele origin: germline.

Genetic Services Laboratory, University of Chicago
Classification: Uncertain significance. Last evaluated: 2013-07-17. Review status: criteria provided, single submitter. Criteria: ACMG Guidelines, 2007. Collection method: clinical testing. Allele origin: germline. Inheritance: Autosomal recessive inheritance.

PreventionGenetics, part of Exact Sciences
Classification: Likely benign for MAN1B1-related condition. Last evaluated: 2019-03-05. Review status: no assertion criteria provided. Collection method: clinical testing. Allele origin: germline. Not counted in ClinVar's aggregate classification.
Comment: This variant is classified as likely benign based on ACMG/AMP sequence variant interpretation guidelines (Richards et al. 2015 PMID: 25741868, with internal and published modifications).

Clinical Genetics DNA and cytogenetics Diagnostics Lab, Erasmus MC, Erasmus Medical Center
Classification: Uncertain significance. Review status: no assertion criteria provided. Collection method: clinical testing. Allele origin: germline. Affected: yes. Study: VKGL Data-share Consensus. Not counted in ClinVar's aggregate classification.

Laboratory of Diagnostic Genome Analysis, Leiden University Medical Center (LUMC)
Classification: Uncertain significance. Review status: no assertion criteria provided. Collection method: clinical testing. Allele origin: germline. Affected: yes. Study: VKGL Data-share Consensus. Not counted in ClinVar's aggregate classification.